The following is an entry in ClinVar:

NM_001395513.1(TMPRSS9):c.3044G>A (p.Arg1015His)

Gene: TMPRSS9 (transmembrane serine protease 9; plus strand). Cytogenetic location: 19p13.3.
Variant type: single nucleotide variant.
Coding change: c.3044G>A on transcript NM_001395513.1 (MANE Select); coding-DNA position 3044, G replaced by A.
Protein change: p.Arg1015His; replaces arginine 1015 with histidine.
Molecular consequence: missense variant.
Genome position (GRCh38, 1-based): chr19:2,425,417, G>A. VCF-style: chr19-2425417-G-A. GRCh37 (hg19) VCF-style: chr19-2425415-G-A.
Other names: c.2942G>A (NM_182973.1); c.2348G>A, p.Arg783His (NM_001385642.1); c.2942G>A, p.Arg981His (NM_182973.3); short protein forms R1015H, R783H, R981H.
Identifiers: ClinVar variation 2648975 (VCV002648975.25), dbSNP rs200715461, ClinGen allele CA9066926.
Genomic context (GRCh38, chr19:2,425,417, plus strand): 5'-GCTCCATGGCGCGGCAGCTGCAGAAGGCGGCCGTGCGCCTCCTCAGCGAGCAGACCTGCC[G>A]CCGCTTCTACCCAGTGCAGATCAGCAGCCGCATGCTGTGTGCCGGCTTCCCGCAGGGTGG-3'
Protein context (NP_001382442.1, residues 1005-1025): AVRLLSEQTC[Arg1015His]RFYPVQISSR

ClinVar aggregate classification (germline): Conflicting classifications of pathogenicity. Review status: criteria provided, conflicting classifications (1 of 4 stars). 2 submissions from 2 submitters: Uncertain significance (1); Likely benign (1). Last evaluated 2025-09-01.

Allele frequency attached by ClinVar (database versions not stated): 1000 Genomes Project 30x 0.00047; 1000 Genomes Project 0.00060; ESP Exome Variant Server 0.00103; TOPMed 0.00137; gnomAD 0.00149; gnomAD exomes 0.00191; ExAC 0.00273.
gnomAD v4.1: 2,934 of 1,581,032 alleles (0.19%); highest among the groups gnomAD compares: Non-Finnish European, 0.23%; 3 homozygotes.

Submissions (2):

Ambry Genetics
Classification: Uncertain significance. Last evaluated: 2025-09-01. Review status: criteria provided, single submitter. Criteria: Ambry Variant Classification Scheme 2023. Collection method: clinical testing. Allele origin: germline.

CeGaT Center for Human Genetics Tuebingen
Classification: Likely benign. Last evaluated: 2023-08-01. Review status: criteria provided, single submitter. Criteria: CeGaT Center For Human Genetics Tuebingen Variant Classification Criteria Version 2. Collection method: clinical testing. Allele origin: germline. Affected: yes. Observed: 1 variant allele.
Comment: TMPRSS9: BS2